The following is an entry in ClinVar:

NM_000271.5(NPC1):c.2493G>A (p.Lys831=)

Gene: NPC1 (NPC intracellular cholesterol transporter 1; minus strand). Cytogenetic location: 18q11.2.
Variant type: single nucleotide variant.
Coding change: c.2493G>A on transcript NM_000271.5 (MANE Select); coding-DNA position 2493, G replaced by A.
Protein change: p.Lys831=; no amino-acid change (lysine 831 retained).
Molecular consequence: synonymous variant.
Genome position (GRCh38, 1-based): chr18:23,541,089, C>T on the plus strand (G>A on the coding strand, the complement: NPC1 is on the minus strand). VCF-style: chr18-23541089-C-T. GRCh37 (hg19) VCF-style: chr18-21121053-C-T.
Other names: c.2493G>A (NM_000271.4).
Identifiers: ClinVar variation 1488854 (VCV001488854.9), dbSNP rs150000422, ClinGen allele CA8913088.

ClinVar aggregate classification (germline): Likely benign. Review status: criteria provided, single submitter (1 of 4 stars). 2 submissions from 2 submitters: Likely benign (1). 1 of the submissions does not count toward it. Last evaluated 2025-05-10.

Conditions:
Niemann-Pick disease, type C1. Also called: NIEMANN-PICK DISEASE, VARIANT TYPE C1; NEUROVISCERAL STORAGE DISEASE WITH VERTICAL SUPRANUCLEAR OPHTHALMOPLEGIA; NIEMANN-PICK DISEASE WITH CHOLESTEROL ESTERIFICATION BLOCK; NIEMANN-PICK DISEASE WITHOUT SPHINGOMYELINASE DEFICIENCY; NIEMANN-PICK DISEASE, CHRONIC NEURONOPATHIC FORM. Identifiers: Orphanet 646, MedGen C3179455, MONDO:0009757, OMIM 257220.
NPC1-related disorder. Also called: NPC1-related condition.

Allele frequency attached by ClinVar (database versions not stated): gnomAD exomes below 0.00001 and 0.00002; ExAC 0.00002; TOPMed 0.00004; gnomAD 0.00007 and 0.00008; ESP Exome Variant Server 0.00008.
gnomAD v4.1: 17 of 1,614,054 alleles (0.0011%); highest among the groups gnomAD compares: African/African-American, 0.021%; no homozygotes.

Submissions (2):

Labcorp Genetics (formerly Invitae), Labcorp
Classification: Likely benign for Niemann-Pick disease, type C1. Last evaluated: 2025-05-10. Review status: criteria provided, single submitter. Criteria: Invitae Variant Classification Sherloc (09022015). Collection method: clinical testing. Allele origin: germline.

PreventionGenetics, part of Exact Sciences
Classification: Likely benign for NPC1-related condition. Last evaluated: 2024-08-22. Review status: no assertion criteria provided. Collection method: clinical testing. Allele origin: germline. Not counted in ClinVar's aggregate classification.
Comment: This variant is classified as likely benign based on ACMG/AMP sequence variant interpretation guidelines (Richards et al. 2015 PMID: 25741868, with internal and published modifications).